The following is an entry in ClinVar:

NM_006790.3(MYOT):c.182A>C (p.His61Pro)

Genes: PKD2L2-DT (PKD2L2 divergent transcript; minus strand), MYOT (myotilin; plus strand). Cytogenetic location: 5q31.2.
Variant type: single nucleotide variant.
Coding change: c.182A>C on transcript NM_006790.3 (MANE Select); coding-DNA position 182, A replaced by C.
Protein change: p.His61Pro; replaces histidine 61 with proline.
Molecular consequence: missense variant. On other transcripts: intron variant (2).
Genome position (GRCh38, 1-based): chr5:137,870,833, A>C. VCF-style: chr5-137870833-A-C. GRCh37 (hg19) VCF-style: chr5-137206522-A-C.
Other names: c.-120-44A>C (NM_001300911.2); c.-197+308A>C (NM_001135940.2); short protein forms H61P.
Identifiers: ClinVar variation 664775 (VCV000664775.11), dbSNP rs372276337, ClinGen allele CA3422860.

ClinVar aggregate classification (germline): Uncertain significance. Review status: criteria provided, multiple submitters, no conflicts (2 of 4 stars). 4 submissions from 4 submitters: Uncertain significance (4). Last evaluated 2025-10-02.

Conditions:
Myofibrillar myopathy 3 (MFM3). Also called: Muscular dystrophy, proximal, type 1A; Autosomal dominant spheroid body myopathy. Identifiers: Orphanet 266, Orphanet 268129, MedGen C3714934, MONDO:0012215, OMIM 609200.

Allele frequency attached by ClinVar (database versions not stated): ExAC 0.00002; gnomAD exomes 0.00002 and 0.00004; gnomAD 0.00003; TOPMed 0.00003; ESP Exome Variant Server 0.00008.
gnomAD v4.1: 68 of 1,613,996 alleles (0.0042%); highest among the groups gnomAD compares: Non-Finnish European, 0.0058%; no homozygotes.

Submissions (4):

Labcorp Genetics (formerly Invitae), Labcorp
Classification: Uncertain significance for Myofibrillar myopathy 3. Last evaluated: 2025-10-02. Review status: criteria provided, single submitter. Criteria: Invitae Variant Classification Sherloc (09022015). Collection method: clinical testing. Allele origin: germline.
Comment: This sequence change replaces histidine, which is basic and polar, with proline, which is neutral and non-polar, at codon 61 of the MYOT protein (p.His61Pro). This variant is present in population databases (rs372276337, gnomAD 0.004%). This variant has not been reported in the literature in individuals affected with MYOT-related conditions. ClinVar contains an entry for this variant (Variation ID: 664775). Invitae Evidence Modeling of protein sequence and biophysical properties (such as structural, functional, and spatial information, amino acid conservation, physicochemical variation, residue mobility, and thermodynamic stability) indicates that this missense variant is not expected to disrupt MYOT protein function with a negative predictive value of 80%. In summary, the available evidence is currently insufficient to determine the role of this variant in disease. Therefore, it has been classified as a Variant of Uncertain Significance.

Women's Health and Genetics/Laboratory Corporation of America, LabCorp
Classification: Uncertain significance. Last evaluated: 2024-06-10. Review status: criteria provided, single submitter. Criteria: LabCorp Variant Classification Summary - May 2015. Collection method: clinical testing. Allele origin: germline.
Comment: Variant summary: MYOT c.182A>C (p.His61Pro) results in a non-conservative amino acid change in the encoded protein sequence. Four of five in-silico tools predict a benign effect of the variant on protein function. The variant allele was found at a frequency of 1.6e-05 in 249028 control chromosomes, predominantly at a frequency of 3.6e-05 within the Non-Finnish European subpopulation in the gnomAD database. The available data on variant occurrences in the general population are insufficient to allow any conclusion about variant significance. To our knowledge, no occurrence of c.182A>C in individuals affected with Spheroid Body Myopathy and no experimental evidence demonstrating its impact on protein function have been reported. ClinVar contains an entry for this variant (Variation ID: 664775). Based on the evidence outlined above, the variant was classified as uncertain significance.

Athena Diagnostics
Classification: Uncertain significance. Last evaluated: 2022-06-06. Review status: criteria provided, single submitter. Criteria: Athena Diagnostics Criteria. Collection method: clinical testing. Allele origin: unknown.

Revvity Omics, Revvity
Classification: Uncertain significance for Myofibrillar myopathy 3. Last evaluated: 2020-12-30. Review status: criteria provided, single submitter. Criteria: ACMG Guidelines, 2015. Collection method: clinical testing. Allele origin: germline.